The following is an entry in ClinVar:

NM_031229.4(RBCK1):c.1091G>A (p.Arg364His)

Gene: RBCK1 (RANBP2-type and C3HC4-type zinc finger containing 1; plus strand). Cytogenetic location: 20p13.
Variant type: single nucleotide variant.
Coding change: c.1091G>A on transcript NM_031229.4 (MANE Select); coding-DNA position 1091, G replaced by A.
Protein change: p.Arg364His; replaces arginine 364 with histidine.
Molecular consequence: missense variant. On other transcripts: non-coding transcript variant (1).
Genome position (GRCh38, 1-based): chr20:427,374, G>A. VCF-style: chr20-427374-G-A. GRCh37 (hg19) VCF-style: chr20-408018-G-A.
Other names: c.581G>A, p.Arg194His (NM_001323956.2, NM_001323958.2); c.965G>A, p.Arg322His (NM_006462.6); short protein forms R364H, R194H, R322H.
Identifiers: ClinVar variation 843978 (VCV000843978.5), dbSNP rs562488006, ClinGen allele CA310623106.
Genomic context (GRCh38, chr20:427,374, plus strand): 5'-TCCTGACCCCTGAGGATTACCAGCGATTTCTAGACCTGGGCATCTCCATTGCTGAAAACC[G>A]CAGTGCCTTCAGCTACCATTGCAAGACCCCAGATTGCAAGGGATGGTGCTTCTTTGAGGA-3'
Protein context (NP_112506.2, residues 354-374): LDLGISIAEN[Arg364His]SAFSYHCKTP

ClinVar aggregate classification (germline): Uncertain significance (1 of 4 stars; one submission).

Conditions:
Polyglucosan body myopathy type 1 (PGBM1). Also called: Polyglucosan body myopathy 1 with or without immunodeficiency; POLYGLUCOSAN BODY MYOPATHY WITHOUT IMMUNODEFICIENCY. Identifiers: Orphanet 329173, Orphanet 397937, MedGen C4014605, MONDO:0014389, OMIM 615895.

Allele frequency attached by ClinVar (database versions not stated): gnomAD exomes below 0.00001; TOPMed below 0.00001; gnomAD 0.00001; 1000 Genomes Project 30x 0.00016; 1000 Genomes Project 0.00020.
gnomAD v4.1: 8 of 1,614,134 alleles (0.0005%); highest among the groups gnomAD compares: East Asian, 0.0022%; no homozygotes.

Submission:

Labcorp Genetics (formerly Invitae), Labcorp
Classification: Uncertain significance for Polyglucosan body myopathy type 1. Last evaluated: 2021-09-26. Review status: criteria provided, single submitter. Criteria: Invitae Variant Classification Sherloc (09022015). Collection method: clinical testing. Allele origin: germline.
Comment: This sequence change replaces arginine with histidine at codon 364 of the RBCK1 protein (p.Arg364His). The arginine residue is highly conserved and there is a small physicochemical difference between arginine and histidine. This variant is not present in population databases (ExAC no frequency). This variant has not been reported in the literature in individuals affected with RBCK1-related conditions. ClinVar contains an entry for this variant (Variation ID: 843978). Algorithms developed to predict the effect of missense changes on protein structure and function are either unavailable or do not agree on the potential impact of this missense change (SIFT: "Not Available"; PolyPhen-2: "Probably Damaging"; Align-GVGD: "Not Available"). In summary, the available evidence is currently insufficient to determine the role of this variant in disease. Therefore, it has been classified as a Variant of Uncertain Significance.